The following is an entry in ClinVar:

NM_000038.6(APC):c.-19+7207T>A

Gene: APC (APC regulator of WNT signaling pathway; plus strand). Cytogenetic location: 5q22.2.
Variant type: single nucleotide variant.
Coding change: c.-19+7207T>A on transcript NM_000038.6 (MANE Select); 7207 bases into the intron after 19 bases upstream of the start codon, T replaced by A.
Molecular consequence: intron variant.
Genome position (GRCh38, 1-based): chr5:112,745,132, T>A. VCF-style: chr5-112745132-T-A. GRCh37 (hg19) VCF-style: chr5-112080829-T-A.
Other names: c.-18-9741T>A (NM_001354895.2); c.166-21194T>A (NM_001354897.2, NM_001354902.2, NM_001127511.3); c.-19+6672T>A (NM_001127510.3); c.60+6672T>A (NM_001354898.2, NM_001354904.2); c.-1054+7207T>A (NM_001354906.2); c.-19+7207T>A (NM_001354896.2, NM_001354903.2, NM_001354899.2); c.-43+7207T>A (NM_001354900.2, NM_001354901.2, NM_001354905.2).
Identifiers: ClinVar variation 82349 (VCV000082349.2), dbSNP rs80258949, ClinGen allele CA006997.
Genomic context (GRCh38, chr5:112,745,132, plus strand): 5'-ATTTCACATATCAAATACATAAAAAATAAGGGCATATATAGGATTTAAATAATATGCTGG[T>A]CAGTTATAGAACTTTATATACTTTTCCTTTTAAAACATTTTTAGTAAAATTTTTATGAAA-3'

ClinVar aggregate classification (germline): other (0 of 4 stars; one submission).

Conditions:
Familial colorectal cancer. Identifiers: MedGen CN280943, MONDO:0023113. Disease mechanism: loss of function.

Submission:

Systems Biology Platform Zhejiang California International NanoSystems Institute
Classification: other for Familial colorectal cancer. Review status: no assertion criteria provided. Collection method: not provided. Allele origin: unknown.
ClinVar note: Converted during submission from cancer to other.